The following is an entry in ClinVar:

ClinVar aggregate classification (germline): Uncertain significance (1 of 4 stars; one submission).

Submission:

GeneDx
Classification: Uncertain significance. Last evaluated: 2022-12-02. Review status: criteria provided, single submitter. Criteria: GeneDx Variant Classification Process June 2021. Collection method: clinical testing. Allele origin: germline. Affected: yes.
Comment: Not observed at significant frequency in large population cohorts (gnomAD); In silico analysis supports that this missense variant does not alter protein structure/function; Has not been previously published as pathogenic or benign to our knowledge

NM_006734.4(HIVEP2):c.6904C>G (p.Pro2302Ala)

Gene: HIVEP2 (HIVEP zinc finger 2; minus strand). Cytogenetic location: 6q24.2.
Variant type: single nucleotide variant.
Coding change: c.6904C>G on transcript NM_006734.4 (MANE Select); coding-DNA position 6904, C replaced by G.
Protein change: p.Pro2302Ala; replaces proline 2302 with alanine.
Molecular consequence: missense variant.
Genome position (GRCh38, 1-based): chr6:142,753,544, G>C on the plus strand (C>G on the coding strand, the complement: HIVEP2 is on the minus strand). VCF-style: chr6-142753544-G-C. GRCh37 (hg19) VCF-style: chr6-143074681-G-C.
Other names: short protein forms P2302A.
Identifiers: ClinVar variation 2504547 (VCV002504547.1), dbSNP rs2482732842, ClinGen allele CA365941484.